The following is an entry in ClinVar:

ClinVar aggregate classification (germline): Benign/Likely benign. Review status: criteria provided, multiple submitters, no conflicts (2 of 4 stars). 3 submissions from 3 submitters: Benign (1); Likely benign (2). Last evaluated 2025-11-24.

Conditions:
Birt-Hogg-Dube syndrome. Also called: Birt Hogg Dubé syndrome. Identifiers: Orphanet 122, MedGen C0346010, MONDO:0800444.
Birt-Hogg-Dube syndrome 1 (BHD1). Also called: FIBROFOLLICULOMAS WITH TRICHODISCOMAS AND ACROCHORDONS. Identifiers: Orphanet 122, MedGen CN375946, MONDO:0800445, OMIM 135150.
Hereditary cancer-predisposing syndrome. Also called: Neoplastic Syndromes, Hereditary; Tumor predisposition; Hereditary neoplastic syndrome; Hereditary Cancer Syndrome. Identifiers: Orphanet 140162, MedGen C0027672, MeSH D009386, MONDO:0015356.

Allele frequency attached by ClinVar (database versions not stated): gnomAD exomes below 0.00001.
gnomAD v4.1: 2 of 1,613,796 alleles (0.00012%); highest among the groups gnomAD compares: Non-Finnish European, 0.000085%; no homozygotes.

Submissions (3):

Labcorp Genetics (formerly Invitae), Labcorp
Classification: Likely benign for Birt-Hogg-Dube syndrome. Last evaluated: 2025-11-24. Review status: criteria provided, single submitter. Criteria: Invitae Variant Classification Sherloc (09022015). Collection method: clinical testing. Allele origin: germline.

Myriad Genetics, Inc.
Classification: Benign for Birt-Hogg-Dube syndrome 1. Last evaluated: 2024-10-24. Review status: criteria provided, single submitter. Criteria: Myriad Autosomal Dominant, Autosomal Recessive and X-Linked Classification Criteria (2023). Collection method: clinical testing. Allele origin: unknown.
Comment: This variant is considered benign. This variant is a silent/synonymous amino acid change and it is not expected to impact splicing.

Ambry Genetics
Classification: Likely benign for Hereditary cancer-predisposing syndrome. Last evaluated: 2022-06-17. Review status: criteria provided, single submitter. Criteria: Ambry Variant Classification Scheme 2023. Collection method: clinical testing. Allele origin: germline.

NM_144997.7(FLCN):c.1212A>G (p.Pro404=)

Gene: FLCN (folliculin; minus strand). Cytogenetic location: 17p11.2.
Variant type: single nucleotide variant.
Coding change: c.1212A>G on transcript NM_144997.7 (MANE Select); coding-DNA position 1212, A replaced by G.
Protein change: p.Pro404=; no amino-acid change (proline 404 retained).
Molecular consequence: synonymous variant.
Genome position (GRCh38, 1-based): chr17:17,216,468, T>C on the plus strand (A>G on the coding strand, the complement: FLCN is on the minus strand). VCF-style: chr17-17216468-T-C. GRCh37 (hg19) VCF-style: chr17-17119782-T-C.
Other names: c.1266A>G, p.Pro422= (NM_001353229.2); c.1212A>G, p.Pro404= (NM_001353230.2, NM_001353231.2).
Identifiers: ClinVar variation 1750612 (VCV001750612.6), dbSNP rs2544163753, ClinGen allele CA498163272.
Genomic context (GRCh38, chr17:17,216,468, plus strand): 5'-CACGTGCGGGCTGAGCCCCAGGAAGTTGCACCGATAGGCCTCCTCGTACTGGCTGCTGTA[T>C]GGGATGATGCGGACGCAGCCCACGGGAAGCATGGTCTGAGGAGGACAGCAGGACTCAGAC-3'
Protein context (NP_659434.2, residues 394-414): MLPVGCVRII[Pro404=]YSSQYEEAYR